The following is an entry in ClinVar:

NM_024422.6(DSC2):c.*1604A>G

Gene: DSC2 (desmocollin 2; minus strand). Cytogenetic location: 18q12.1.
Variant type: single nucleotide variant.
Coding change: c.*1604A>G on transcript NM_024422.6 (MANE Select); 1604 bases downstream of the stop codon, A replaced by G.
Molecular consequence: 3 prime UTR variant.
Genome position (GRCh38, 1-based): chr18:31,066,411, T>C on the plus strand (A>G on the coding strand, the complement: DSC2 is on the minus strand). VCF-style: chr18-31066411-T-C. GRCh37 (hg19) VCF-style: chr18-28646377-T-C.
Other names: c.*1812A>G (NM_004949.5).
Identifiers: ClinVar variation 326362 (VCV000326362.5), dbSNP rs188072930, ClinGen allele CA10647415.

ClinVar aggregate classification (germline): Likely benign (1 of 4 stars; one submission).

Conditions:
Arrhythmogenic right ventricular dysplasia 11. Also called: Arrhythmogenic Right Ventricular Dysplasia/Cardiomyopathy11; ARRHYTHMOGENIC RIGHT VENTRICULAR DYSPLASIA, FAMILIAL, 11; Arrhythmogenic right ventricular dysplasia 11 with mild palmoplantar keratoderma and woolly hair. Identifiers: MedGen C1864850, MONDO:0012506, OMIM 610476.

Allele frequency attached by ClinVar (database versions not stated): gnomAD 0.01059 and 0.01130; 1000 Genomes Project 0.01338; TOPMed 0.01173; 1000 Genomes Project 30x 0.01390.

Submission:

Illumina Laboratory Services, Illumina
Classification: Likely benign for Arrhythmogenic right ventricular dysplasia 11. Last evaluated: 2018-01-13. Review status: criteria provided, single submitter. Criteria: ICSL Variant Classification Criteria 13 December 2019. Collection method: clinical testing. Allele origin: germline.
Comment: This variant was observed in the ICSL laboratory as part of a predisposition screen in an ostensibly healthy population. It had not been previously curated by ICSL or reported in the Human Gene Mutation Database (HGMD: prior to June 1st, 2018), and was therefore a candidate for classification through an automated scoring system. Utilizing variant allele frequency, disease prevalence and penetrance estimates, and inheritance mode, an automated score was calculated to assess if this variant is too frequent to cause the disease. Based on the score and internal cut-off values, a variant classified as likely benign is not then subjected to further curation. The score for this variant resulted in a classification of likely benign for this disease.